The following is an entry in ClinVar:

ClinVar aggregate classification (germline): Uncertain significance. Review status: criteria provided, multiple submitters, no conflicts (2 of 4 stars). 3 submissions from 3 submitters: Uncertain significance (2). 1 of the submissions does not count toward it. Last evaluated 2026-04-03.

Allele frequency attached by ClinVar (database versions not stated): TOPMed 0.00002.
gnomAD v4.1: 9 of 1,614,076 alleles (0.00056%); highest among the groups gnomAD compares: South Asian, 0.0011%; no homozygotes.

Submissions (3):

GeneDx
Classification: Uncertain significance. Last evaluated: 2026-04-03. Review status: criteria provided, single submitter. Criteria: GeneDx Variant Classification Process June 2021. Collection method: clinical testing. Allele origin: germline.
Comment: Not observed at significant frequency in large population cohorts (gnomAD); In silico analysis supports that this missense variant has a deleterious effect on protein structure/function; Has not been previously published as pathogenic or benign to our knowledge

Labcorp Genetics (formerly Invitae), Labcorp
Classification: Uncertain significance. Last evaluated: 2025-07-24. Review status: criteria provided, single submitter. Criteria: Invitae Variant Classification Sherloc (09022015). Collection method: clinical testing. Allele origin: germline.
Comment: This sequence change replaces arginine, which is basic and polar, with cysteine, which is neutral and slightly polar, at codon 1587 of the FLNB protein (p.Arg1587Cys). This variant is not present in population databases (gnomAD no frequency). This variant has not been reported in the literature in individuals affected with FLNB-related conditions. ClinVar contains an entry for this variant (Variation ID: 591007). Invitae Evidence Modeling of protein sequence and biophysical properties (such as structural, functional, and spatial information, amino acid conservation, physicochemical variation, residue mobility, and thermodynamic stability) indicates that this missense variant is not expected to disrupt FLNB protein function with a negative predictive value of 95%. In summary, the available evidence is currently insufficient to determine the role of this variant in disease. Therefore, it has been classified as a Variant of Uncertain Significance.

Gharavi Laboratory, Columbia University
Classification: Uncertain significance. Last evaluated: 2018-09-16. Review status: no assertion criteria provided. Criteria: ACMG Guidelines, 2015. Collection method: research. Allele origin: germline. Affected: yes. Not counted in ClinVar's aggregate classification.

NM_001457.4(FLNB):c.4759C>T (p.Arg1587Cys)

Gene: FLNB (filamin B; plus strand). Cytogenetic location: 3p14.3.
Variant type: single nucleotide variant.
Coding change: c.4759C>T on transcript NM_001457.4 (MANE Select); coding-DNA position 4759, C replaced by T.
Protein change: p.Arg1587Cys; replaces arginine 1587 with cysteine.
Molecular consequence: missense variant.
Genome position (GRCh38, 1-based): chr3:58,136,066, C>T. VCF-style: chr3-58136066-C-T. GRCh37 (hg19) VCF-style: chr3-58121793-C-T.
Other names: c.4852C>T, p.Arg1618Cys (NM_001164317.2); c.4759C>T, p.Arg1587Cys (NM_001164318.2, NM_001164319.2); c.4759C>T (NM_001457.3); short protein forms R1587C, R1618C.
Identifiers: ClinVar variation 591007 (VCV000591007.4), dbSNP rs1383300466, ClinGen allele CA353352105.